The following is an entry in ClinVar:

ClinVar aggregate classification (germline): Uncertain significance (1 of 4 stars; one submission).

Conditions:
Hereditary cancer-predisposing syndrome. Also called: Tumor predisposition; Hereditary Cancer Syndrome; Hereditary neoplastic syndrome; Neoplastic Syndromes, Hereditary. Identifiers: Orphanet 140162, MedGen C0027672, MeSH D009386, MONDO:0015356.

Submission:

Ambry Genetics
Classification: Uncertain significance for Hereditary cancer-predisposing syndrome. Last evaluated: 2016-11-28. Review status: criteria provided, single submitter. Criteria: Ambry Variant Classification Scheme 2023. Collection method: clinical testing. Allele origin: germline.
Comment: The p.H333D variant (also known as c.997C>G), located in coding exon 5 of the RET gene, results from a C to G substitution at nucleotide position 997. The histidine at codon 333 is replaced by aspartic acid, an amino acid with similar properties. This amino acid position is highly conserved in available vertebrate species. In addition, this alteration is predicted to be deleterious by in silico analysis. Since supporting evidence is limited at this time, the clinical significance of this alteration remains unclear.

NM_020975.6(RET):c.997C>G (p.His333Asp)

Gene: RET (ret proto-oncogene; plus strand). Cytogenetic location: 10q11.21.
Variant type: single nucleotide variant.
Coding change: c.997C>G on transcript NM_020975.6 (MANE Select); coding-DNA position 997, C replaced by G.
Protein change: p.His333Asp; replaces histidine 333 with aspartic acid.
Molecular consequence: missense variant.
Genome position (GRCh38, 1-based): chr10:43,106,505, C>G. VCF-style: chr10-43106505-C-G. GRCh37 (hg19) VCF-style: chr10-43601953-C-G.
Other names: c.997C>G, p.His333Asp (NM_000323.2, NM_001406743.1, NM_001406744.1 and 6 more transcripts); c.235C>G, p.His79Asp (NM_001355216.2); c.868C>G, p.His290Asp (NM_001406761.1, NM_001406762.1, NM_001406764.1 and 1 more transcripts); c.709C>G, p.His237Asp (NM_001406766.1, NM_001406767.1, NM_001406770.1); short protein forms H333D, H79D, H237D, H290D.
Identifiers: ClinVar variation 486349 (VCV000486349.7), dbSNP rs1554818012, ClinGen allele CA376546315.
Genomic context (GRCh38, chr10:43,106,505, plus strand): 5'-CGGTACACAAGCACGCTGCTCCCCGGGGACACCTGGGCCCAGCAGACCTTCCGGGTGGAA[C>G]ACTGGCCCAACGAGACCTCGGTCCAGGCCAACGGCAGCTTCGTGCGGGCGACCGTACATG-3'
Protein context (NP_066124.1, residues 323-343): TWAQQTFRVE[His333Asp]WPNETSVQAN